The following is an entry in ClinVar:

ClinVar aggregate classification (germline): Likely benign (1 of 4 stars; one submission).

Conditions:
Hepatoencephalopathy due to combined oxidative phosphorylation defect type 1. Also called: HEPATOENCEPHALOPATHY, EARLY FATAL PROGRESSIVE. Identifiers: Orphanet 137681, MedGen C1836797, MONDO:0012191, OMIM 609060.

Allele frequency attached by ClinVar (database versions not stated): gnomAD exomes 0.00022; gnomAD 0.00519 and 0.00563; 1000 Genomes Project 0.00539; TOPMed 0.00589; 1000 Genomes Project 30x 0.00625.
gnomAD v4.1: 783 of 157,034 alleles (0.5%); highest among the groups gnomAD compares: African/African-American, 1.8%; 7 homozygotes.

Submission:

Illumina Laboratory Services, Illumina
Classification: Likely benign for Hepatoencephalopathy due to combined oxidative phosphorylation defect type 1. Last evaluated: 2018-01-13. Review status: criteria provided, single submitter. Criteria: ICSL Variant Classification Criteria 13 December 2019. Collection method: clinical testing. Allele origin: germline.
Comment: This variant was observed in the ICSL laboratory as part of a predisposition screen in an ostensibly healthy population. It had not been previously curated by ICSL or reported in the Human Gene Mutation Database (HGMD: prior to June 1st, 2018), and was therefore a candidate for classification through an automated scoring system. Utilizing variant allele frequency, disease prevalence and penetrance estimates, and inheritance mode, an automated score was calculated to assess if this variant is too frequent to cause the disease. Based on the score and internal cut-off values, a variant classified as likely benign is not then subjected to further curation. The score for this variant resulted in a classification of likely benign for this disease.

NM_024996.7(GFM1):c.*539C>T

Gene: GFM1 (G elongation factor mitochondrial 1; plus strand). Cytogenetic location: 3q25.32.
Variant type: single nucleotide variant.
Coding change: c.*539C>T on transcript NM_024996.7 (MANE Select); 539 bases downstream of the stop codon, C replaced by T.
Molecular consequence: 3 prime UTR variant. On other transcripts: non-coding transcript variant (4).
Genome position (GRCh38, 1-based): chr3:158,692,006, C>T. VCF-style: chr3-158692006-C-T. GRCh37 (hg19) VCF-style: chr3-158409795-C-T.
Other names: c.*539C>T (NM_001308164.2, NM_001374355.1, NM_001374356.1 and 5 more transcripts).
Identifiers: ClinVar variation 900273 (VCV000900273.4), dbSNP rs75254073, ClinGen allele CA86534587.